The following is an entry in ClinVar:

ClinVar aggregate classification (germline): Uncertain significance. Review status: criteria provided, multiple submitters, no conflicts (2 of 4 stars). 2 submissions from 2 submitters: Uncertain significance (2). Last evaluated 2024-05-02.

Conditions:
Wolcott-Rallison dysplasia. Also called: Wolcott-Rallison syndrome; MED-IDDM SYNDROME. Identifiers: Orphanet 1667, MedGen C0432217, MONDO:0009192, OMIM 226980.

Allele frequency attached by ClinVar (database versions not stated): ExAC 0.00002; gnomAD exomes 0.00002 and 0.00003; gnomAD 0.00004 and 0.00005; TOPMed 0.00006; ESP Exome Variant Server 0.00008.
gnomAD v4.1: 56 of 1,614,010 alleles (0.0035%); highest among the groups gnomAD compares: African/African-American, 0.008%; no homozygotes.

Submissions (2):

Fulgent Genetics
Classification: Uncertain significance for Wolcott-Rallison dysplasia. Last evaluated: 2024-05-02. Review status: criteria provided, single submitter. Criteria: ACMG Guidelines, 2015. Collection method: clinical testing. Allele origin: germline.

Labcorp Genetics (formerly Invitae), Labcorp
Classification: Uncertain significance. Last evaluated: 2022-10-08. Review status: criteria provided, single submitter. Criteria: Invitae Variant Classification Sherloc (09022015). Collection method: clinical testing. Allele origin: germline.
Comment: This sequence change replaces asparagine, which is neutral and polar, with serine, which is neutral and polar, at codon 286 of the EIF2AK3 protein (p.Asn286Ser). This variant is present in population databases (rs150474217, gnomAD 0.005%). This variant has not been reported in the literature in individuals affected with EIF2AK3-related conditions. ClinVar contains an entry for this variant (Variation ID: 1004857). Algorithms developed to predict the effect of missense changes on protein structure and function output the following: SIFT: "Tolerated"; PolyPhen-2: "Benign"; Align-GVGD: "Class C0". The serine amino acid residue is found in multiple mammalian species, which suggests that this missense change does not adversely affect protein function. Algorithms developed to predict the effect of sequence changes on RNA splicing suggest that this variant may create or strengthen a splice site. In summary, the available evidence is currently insufficient to determine the role of this variant in disease. Therefore, it has been classified as a Variant of Uncertain Significance.

NM_004836.7(EIF2AK3):c.857A>G (p.Asn286Ser)

Gene: EIF2AK3 (eukaryotic translation initiation factor 2 alpha kinase 3; minus strand). Cytogenetic location: 2p11.2.
Variant type: single nucleotide variant.
Coding change: c.857A>G on transcript NM_004836.7 (MANE Select); coding-DNA position 857, A replaced by G.
Protein change: p.Asn286Ser; replaces asparagine 286 with serine.
Molecular consequence: missense variant.
Genome position (GRCh38, 1-based): chr2:88,590,963, T>C on the plus strand (A>G on the coding strand, the complement: EIF2AK3 is on the minus strand). VCF-style: chr2-88590963-T-C. GRCh37 (hg19) VCF-style: chr2-88890481-T-C.
Other names: c.404A>G, p.Asn135Ser (NM_001313915.2); short protein forms N135S, N286S.
Identifiers: ClinVar variation 1004857 (VCV001004857.8), dbSNP rs150474217, ClinGen allele CA1754821.
Genomic context (GRCh38, chr2:88,590,963, plus strand): 5'-ATTATGGCAGCTTCCTGTTCTTCCACATCTGAAATAATTTTAGACTCTTCTGTGTTCTCA[T>C]TGGGCTTAAAGGTGCTTTCAATAAATCCGGCTCTCGTTTCCATGTCTGGAATATACCGAA-3'
Protein context (NP_004827.4, residues 276-296): AGFIESTFKP[Asn286Ser]ENTEESKIIS